The following is an entry in ClinVar:

NM_015046.7(SETX):c.1966G>A (p.Val656Ile)

Gene: SETX (senataxin; minus strand). Cytogenetic location: 9q34.13.
Variant type: single nucleotide variant.
Coding change: c.1966G>A on transcript NM_015046.7 (MANE Select); coding-DNA position 1966, G replaced by A.
Protein change: p.Val656Ile; replaces valine 656 with isoleucine.
Molecular consequence: missense variant.
Genome position (GRCh38, 1-based): chr9:132,329,632, C>T on the plus strand (G>A on the coding strand, the complement: SETX is on the minus strand). VCF-style: chr9-132329632-C-T. GRCh37 (hg19) VCF-style: chr9-135205019-C-T.
Other names: c.1966G>A, p.Val656Ile (NM_001351527.2, NM_001351528.2); short protein forms V656I.
Identifiers: ClinVar variation 2930421 (VCV002930421.4), dbSNP rs761521773, ClinGen allele CA5297688.

ClinVar aggregate classification (germline): Benign. Review status: criteria provided, single submitter (1 of 4 stars). 2 submissions from 2 submitters: Benign (1). 1 of the submissions does not count toward it. Last evaluated 2023-01-05.

Conditions:
SETX-related disorder. Also called: SETX-related condition; SETX-related disorders. Identifiers: MedGen CN239403.
Amyotrophic lateral sclerosis type 4 (ALS4). Also called: NEURONOPATHY, DISTAL HEREDITARY MOTOR, WITH PYRAMIDAL FEATURES; AMYOTROPHIC LATERAL SCLEROSIS 4, JUVENILE. Identifiers: Orphanet 357043, MedGen C1865409, MONDO:0011223, OMIM 602433.
Spinocerebellar ataxia, autosomal recessive, with axonal neuropathy 2 (SCAN2). Also called: Ataxia with Oculomotor Apraxia; Ataxia with Oculomotor Apraxia Type 2; Ataxia-ocular apraxia-2; ATAXIA-OCULOMOTOR APRAXIA 2. Identifiers: Orphanet 64753, MedGen C1853761, MONDO:0018996, OMIM 606002.

Allele frequency attached by ClinVar (database versions not stated): TOPMed below 0.00001; ExAC 0.00001; gnomAD 0.00001; gnomAD exomes 0.00004.
gnomAD v4.1: 23 of 1,613,574 alleles (0.0014%); highest among the groups gnomAD compares: East Asian, 0.049%; no homozygotes.

Submissions (2):

Labcorp Genetics (formerly Invitae), Labcorp
Classification: Benign for Amyotrophic lateral sclerosis type 4; Spinocerebellar ataxia, autosomal recessive, with axonal neuropathy 2. Last evaluated: 2023-01-05. Review status: criteria provided, single submitter. Criteria: Invitae Variant Classification Sherloc (09022015). Collection method: clinical testing. Allele origin: germline.

PreventionGenetics, part of Exact Sciences
Classification: Uncertain significance for SETX-related condition. Last evaluated: 2024-05-06. Review status: no assertion criteria provided. Collection method: clinical testing. Allele origin: germline. Not counted in ClinVar's aggregate classification.
Comment: The SETX c.1966G>A variant is predicted to result in the amino acid substitution p.Val656Ile. To our knowledge, this variant has not been reported in the literature. This variant is reported in 0.011% of alleles in individuals of East Asian descent in gnomAD (as displayed in the table above). However, in gnomAD v4 (available only on GRCh38), this variant is reported in 0.05% of alleles in East Asians, which is higher than expected for the SETX-related disorders. Although we suspect that this variant may be benign, the clinical significance of this variant is classified as uncertain at this time due to insufficient functional and genetic evidence.